The following is an entry in ClinVar:

ClinVar aggregate classification (germline): Uncertain significance (1 of 4 stars; one submission).

Conditions:
Cerebral cavernous malformation (CCM). Also called: CAVERNOUS ANGIOMA, FAMILIAL; CAVERNOUS ANGIOMATOUS MALFORMATIONS; CEREBRAL CAPILLARY MALFORMATIONS; Cavernous Hemangioma of Brain; Cerebral cavernous hemangioma (type); Cerebral cavernous malformations. Identifiers: Orphanet 221061, MedGen C2919945, MONDO:0000820, OMIM 116860, HP:0033522.

Submission:

Labcorp Genetics (formerly Invitae), Labcorp
Classification: Uncertain significance for Cerebral cavernous malformation. Last evaluated: 2025-01-27. Review status: criteria provided, single submitter. Criteria: Invitae Variant Classification Sherloc (09022015). Collection method: clinical testing. Allele origin: germline.
Comment: This variant, c.2080_2085del, results in the deletion of 2 amino acid(s) of the KRIT1 protein (p.Asp694_Thr695del), but otherwise preserves the integrity of the reading frame. This variant is present in population databases (rs764839013, gnomAD 0.005%). This variant has not been reported in the literature in individuals affected with KRIT1-related conditions. In summary, the available evidence is currently insufficient to determine the role of this variant in disease. Therefore, it has been classified as a Variant of Uncertain Significance.

NM_194454.3(KRIT1):c.2074GATACT[1] (p.692DT[1])

Gene: KRIT1 (KRIT1 ankyrin repeat containing; minus strand). Cytogenetic location: 7q21.2.
Variant type: Microsatellite.
Coding change: c.2074GATACT[1] on transcript NM_194454.3 (MANE Select); one copy of the 6-base unit GATACT starting at c.2074; the reference has two copies in a row; one copy, 6 bases deleted.
Protein change: p.692DT[1].
Molecular consequence: inframe deletion.
Genome position (GRCh38, 1-based): chr7:92,201,364-92,201,369, AGTATC deleted on the plus strand (GATACT on the coding strand, the reverse complement: KRIT1 is on the minus strand); deleting any 6 consecutive bases within chr7:92,201,364-92,201,375 gives the same sequence; the position shown is the placement nearest the transcript's 3' end. VCF-style (leftmost placement, unchanged base first): chr7-92201363-AAGTATC-A. GRCh37 (hg19) VCF-style: chr7-91830677-AAGTATC-A.
Other names: c.1930GATACT[1], p.644DT[1] (NM_001013406.2, NM_001350669.1, NM_001350670.1); c.1360GATACT[1], p.454DT[1] (NM_001350671.1); c.2074GATACT[1], p.692DT[1] (NM_001350672.1, NM_001350673.1, NM_001350674.1 and 26 more transcripts).
Identifiers: ClinVar variation 360882 (VCV000360882.6), dbSNP rs764839013, ClinGen allele CA4338956.